The following is an entry in ClinVar:

ClinVar aggregate classification (germline): Uncertain significance (1 of 4 stars; one submission).

Conditions:
NEK1-related disorder. Also called: NEK1-related condition.

gnomAD v4.1: 12 of 1,613,826 alleles (0.00074%); highest among the groups gnomAD compares: Non-Finnish European, 0.001%; no homozygotes.

Submission:

PreventionGenetics, part of Exact Sciences
Classification: Uncertain significance for NEK1-related condition. Last evaluated: 2025-10-22. Review status: criteria provided, single submitter. Criteria: ACMG Guidelines, 2015. Collection method: clinical testing. Allele origin: germline.
Comment: The NEK1 c.3417G>C variant is predicted to result in the amino acid substitution p.Glu1139Asp. To our knowledge, this variant has not been reported in the literature. This variant is reported in 0.0044% of alleles in individuals of European (non-Finnish) descent in gnomAD. At this time, the clinical significance of this variant is uncertain due to the absence of conclusive functional and genetic evidence.

NM_001199397.3(NEK1):c.3501G>C (p.Glu1167Asp)

Gene: NEK1 (NIMA related kinase 1; minus strand). Cytogenetic location: 4q33.
Variant type: single nucleotide variant.
Coding change: c.3501G>C on transcript NM_001199397.3 (MANE Select); coding-DNA position 3501, G replaced by C.
Protein change: p.Glu1167Asp; replaces glutamic acid 1167 with aspartic acid.
Molecular consequence: missense variant. On other transcripts: non-coding transcript variant (1).
Genome position (GRCh38, 1-based): chr4:169,401,734, C>G on the plus strand (G>C on the coding strand, the complement: NEK1 is on the minus strand). VCF-style: chr4-169401734-C-G. GRCh37 (hg19) VCF-style: chr4-170322885-C-G.
Other names: c.3369G>C, p.Glu1123Asp (NM_001199398.3); c.3210G>C, p.Glu1070Asp (NM_001199399.3); c.3285G>C, p.Glu1095Asp (NM_001199400.3); c.3501G>C, p.Glu1167Asp (NM_001374418.1); c.3417G>C, p.Glu1139Asp (NM_001374419.1, NM_012224.4); c.3366G>C, p.Glu1122Asp (NM_001374420.1); c.3018G>C, p.Glu1006Asp (NM_001374421.1); short protein forms E1006D, E1070D, E1095D, E1122D, E1123D, E1139D, E1167D.
Identifiers: ClinVar variation 3350312 (VCV003350312.2).
Genomic context (GRCh38, chr4:169,401,734, plus strand): 5'-GGCACTTTCACTGCTGGGATTGTCATCTTCATCTGCCACATCTGTCCCATTTGCAGTTGG[C>G]TCCACATCACTGTTCTTCAAGACTGACTCTTCTTCTTCACTGTATTCTTCACCAGGTTGT-3'
Protein context (NP_001186326.1, residues 1157-1177): EESVLKNSDV[Glu1167Asp]PTANGTDVAD